The following is an entry in ClinVar:

NM_014314.4(RIGI):c.2621G>A (p.Gly874Glu)

Gene: RIGI (RNA sensor RIG-I; minus strand). Cytogenetic location: 9p21.1.
Variant type: single nucleotide variant.
Coding change: c.2621G>A on transcript NM_014314.4 (MANE Select); coding-DNA position 2621, G replaced by A.
Protein change: p.Gly874Glu; replaces glycine 874 with glutamic acid.
Molecular consequence: missense variant.
Genome position (GRCh38, 1-based): chr9:32,457,279, C>T on the plus strand (G>A on the coding strand, the complement: RIGI is on the minus strand). VCF-style: chr9-32457279-C-T. GRCh37 (hg19) VCF-style: chr9-32457277-C-T.
Other names: c.2615G>A, p.Gly872Glu (NM_001385907.1); c.2450G>A, p.Gly817Glu (NM_001385909.1); c.2180G>A, p.Gly727Glu (NM_001385910.1); c.2012G>A, p.Gly671Glu (NM_001385912.1); c.2606G>A, p.Gly869Glu (NM_001385913.1); c.2177G>A, p.Gly726Glu (NM_001385914.1); short protein forms G671E, G872E, G726E, G869E, G727E, G817E, G874E.
Identifiers: ClinVar variation 1947091 (VCV001947091.5), dbSNP rs1822949789, ClinGen allele CA373141981.

ClinVar aggregate classification (germline): Uncertain significance (1 of 4 stars; one submission).

Allele frequency attached by ClinVar (database versions not stated): TOPMed below 0.00001.

Submission:

Labcorp Genetics (formerly Invitae), Labcorp
Classification: Uncertain significance. Last evaluated: 2022-07-23. Review status: criteria provided, single submitter. Criteria: Invitae Variant Classification Sherloc (09022015). Collection method: clinical testing. Allele origin: germline.
Comment: This sequence change replaces glycine, which is neutral and non-polar, with glutamic acid, which is acidic and polar, at codon 874 of the DDX58 protein (p.Gly874Glu). This variant is not present in population databases (gnomAD no frequency). This variant has not been reported in the literature in individuals affected with DDX58-related conditions. Algorithms developed to predict the effect of missense changes on protein structure and function are either unavailable or do not agree on the potential impact of this missense change (SIFT: "Tolerated"; PolyPhen-2: "Probably Damaging"; Align-GVGD: "Class C0"). In summary, the available evidence is currently insufficient to determine the role of this variant in disease. Therefore, it has been classified as a Variant of Uncertain Significance.